The following is an entry in ClinVar:

ClinVar aggregate classification (germline): Pathogenic. Review status: criteria provided, multiple submitters, no conflicts (2 of 4 stars). 4 submissions from 4 submitters: Pathogenic (2). 2 of the submissions do not count toward it. Last evaluated 2023-09-21.

Conditions:
CFTR-related disorder (CFTR-RD). Also called: CFTR-related condition; CFTR-related disorders. Identifiers: MedGen C5924204, MONDO:7770004.
Cystic fibrosis (CF). Also called: MUCOVISCIDOSIS. Identifiers: Orphanet 586, MedGen C0010674, MONDO:0009061, OMIM 219700. Disease mechanism: loss of function.

Allele frequency attached by ClinVar (database versions not stated): gnomAD exomes below 0.00001.

Submissions (4):

Labcorp Genetics (formerly Invitae), Labcorp
Classification: Pathogenic for Cystic fibrosis. Last evaluated: 2023-09-21. Review status: criteria provided, single submitter. Criteria: Invitae Variant Classification Sherloc (09022015). Collection method: clinical testing. Allele origin: germline.
Comment: This sequence change creates a premature translational stop signal (p.Gly1208Profs*56) in the CFTR gene. It is expected to result in an absent or disrupted protein product. Loss-of-function variants in CFTR are known to be pathogenic (PMID: 1695717, 7691345, 9725922). This variant is not present in population databases (gnomAD no frequency). This premature translational stop signal has been observed in individual(s) with clinical features of cystic fibrosis (PMID: 8477260). This variant is also known as 3750delAG. ClinVar contains an entry for this variant (Variation ID: 53782). For these reasons, this variant has been classified as Pathogenic.

CFTR-France
Classification: Pathogenic for cystic fibrosis. Last evaluated: 2018-01-29. Review status: criteria provided, single submitter. Criteria: Claustres M et al. (Hum Mutat 2017). Collection method: curation. Allele origin: germline. Affected: yes.

Natera, Inc.
Classification: Pathogenic for CFTR-related disorders. Last evaluated: 2017-03-17. Review status: no assertion criteria provided. Collection method: clinical testing. Allele origin: germline. Not counted in ClinVar's aggregate classification.

ClinVar Staff, National Center for Biotechnology Information (NCBI)
No classification provided. Condition: CFTR-related disorders. Review status: no classification provided. Collection method: literature only. Allele origin: germline. Affected: yes. Not counted in ClinVar's aggregate classification.

Literature cited by the submitters: PubMed 1695717 (cited by Labcorp Genetics (formerly Invitae), Labcorp); PubMed 7691345 (cited by Labcorp Genetics (formerly Invitae), Labcorp); PubMed 9725922 (cited by Labcorp Genetics (formerly Invitae), Labcorp); PubMed 8477260 (cited by Labcorp Genetics (formerly Invitae), Labcorp and ClinVar Staff, National Center for Biotechnology Information (NCBI)).

NM_000492.4(CFTR):c.3618_3619del (p.Gly1208fs)

Genes: CFTR (CF transmembrane conductance regulator; plus strand), CFTR-AS2 (CFTR antisense RNA 2; minus strand). Cytogenetic location: 7q31.2.
Variant type: Deletion.
Coding change: c.3618_3619del on transcript NM_000492.4 (MANE Select); coding-DNA positions 3618 to 3619, 2 bases deleted (AG; older notation c.3618_3619delAG).
Protein change: p.Gly1208fs; shifts the reading frame from glycine 1208.
Molecular consequence: frameshift variant.
Genome position (GRCh38, 1-based): chr7:117,627,671-117,627,672, AG deleted. VCF-style (leftmost placement, unchanged base first): chr7-117627670-CAG-C. GRCh37 (hg19) VCF-style: chr7-117267724-CAG-C.
Other names: c.3618_3619delAG (NM_000492.3); short protein forms G1208fs.
Identifiers: ClinVar variation 53782 (VCV000053782.11), dbSNP rs397508589, ClinGen allele CA327243.